The following is an entry in ClinVar:

ClinVar aggregate classification (germline): Uncertain significance. Review status: criteria provided, multiple submitters, no conflicts (2 of 4 stars). 2 submissions from 2 submitters: Uncertain significance (2). Last evaluated 2025-06-04.

Allele frequency attached by ClinVar (database versions not stated): gnomAD exomes below 0.00001; TOPMed below 0.00001.
gnomAD v4.1: 2 of 1,551,752 alleles (0.00013%); highest among the groups gnomAD compares: Non-Finnish European, 0.00017%; no homozygotes.

Submissions (2):

GeneDx
Classification: Uncertain significance. Last evaluated: 2025-06-04. Review status: criteria provided, single submitter. Criteria: GeneDx Variant Classification Process June 2021. Collection method: clinical testing. Allele origin: germline. Affected: yes.
Comment: Not observed at significant frequency in large population cohorts (gnomAD); In silico analysis suggests that this missense variant does not alter protein structure/function; Has not been previously published as pathogenic or benign to our knowledge

Labcorp Genetics (formerly Invitae), Labcorp
Classification: Uncertain significance. Last evaluated: 2024-07-08. Review status: criteria provided, single submitter. Criteria: Invitae Variant Classification Sherloc (09022015). Collection method: clinical testing. Allele origin: germline.
Comment: This sequence change replaces serine, which is neutral and polar, with leucine, which is neutral and non-polar, at codon 1092 of the UNC80 protein (p.Ser1092Leu). This variant is not present in population databases (gnomAD no frequency). This variant has not been reported in the literature in individuals affected with UNC80-related conditions. ClinVar contains an entry for this variant (Variation ID: 2059742). An algorithm developed to predict the effect of missense changes on protein structure and function (PolyPhen-2) suggests that this variant is likely to be disruptive. Algorithms developed to predict the effect of sequence changes on RNA splicing suggest that this variant may create or strengthen a splice site. In summary, the available evidence is currently insufficient to determine the role of this variant in disease. Therefore, it has been classified as a Variant of Uncertain Significance.

NM_001371986.1(UNC80):c.3269C>T (p.Ser1090Leu)

Gene: UNC80 (unc-80 subunit of NALCN channel complex; plus strand). Cytogenetic location: 2q34.
Variant type: single nucleotide variant.
Coding change: c.3269C>T on transcript NM_001371986.1 (MANE Select); coding-DNA position 3269, C replaced by T.
Protein change: p.Ser1090Leu; replaces serine 1090 with leucine.
Molecular consequence: missense variant.
Genome position (GRCh38, 1-based): chr2:209,840,560, C>T. VCF-style: chr2-209840560-C-T. GRCh37 (hg19) VCF-style: chr2-210705284-C-T.
Other names: c.3275C>T, p.Ser1092Leu (NM_032504.2); c.3260C>T, p.Ser1087Leu (NM_182587.4); c.3275C>T (NM_032504.1); short protein forms S1092L, S1087L, S1090L.
Identifiers: ClinVar variation 2059742 (VCV002059742.5), dbSNP rs1470550567, ClinGen allele CA350730746.